The following is an entry in ClinVar:

ClinVar aggregate classification (germline): Uncertain significance. Review status: criteria provided, multiple submitters, no conflicts (2 of 4 stars). 2 submissions from 2 submitters: Uncertain significance (2). Last evaluated 2024-11-11.

Conditions:
Inborn genetic diseases. Identifiers: MedGen C0950123, MeSH D030342.
Kabuki syndrome. Also called: NIIKAWA-KUROKI SYNDROME; Kabuki make-up syndrome. Identifiers: Orphanet 2322, MedGen C0796004, MONDO:0016512.

Submissions (2):

Ambry Genetics
Classification: Uncertain significance for Inborn genetic diseases. Last evaluated: 2024-11-11. Review status: criteria provided, single submitter. Criteria: Ambry Variant Classification Scheme 2023. Collection method: clinical testing. Allele origin: germline.

Labcorp Genetics (formerly Invitae), Labcorp
Classification: Uncertain significance for Kabuki syndrome. Last evaluated: 2024-03-26. Review status: criteria provided, single submitter. Criteria: Invitae Variant Classification Sherloc (09022015). Collection method: clinical testing. Allele origin: germline.
Comment: This sequence change replaces aspartic acid, which is acidic and polar, with asparagine, which is neutral and polar, at codon 257 of the KMT2D protein (p.Asp257Asn). This variant is not present in population databases (gnomAD no frequency). This variant has not been reported in the literature in individuals affected with KMT2D-related conditions. Advanced modeling of protein sequence and biophysical properties (such as structural, functional, and spatial information, amino acid conservation, physicochemical variation, residue mobility, and thermodynamic stability) performed at Invitae indicates that this missense variant is not expected to disrupt KMT2D protein function with a negative predictive value of 95%. In summary, the available evidence is currently insufficient to determine the role of this variant in disease. Therefore, it has been classified as a Variant of Uncertain Significance.

NM_003482.4(KMT2D):c.769G>A (p.Asp257Asn)

Gene: KMT2D (lysine methyltransferase 2D; minus strand). Cytogenetic location: 12q13.12.
Variant type: single nucleotide variant.
Coding change: c.769G>A on transcript NM_003482.4 (MANE Select); coding-DNA position 769, G replaced by A.
Protein change: p.Asp257Asn; replaces aspartic acid 257 with asparagine.
Molecular consequence: missense variant.
Genome position (GRCh38, 1-based): chr12:49,053,546, C>T on the plus strand (G>A on the coding strand, the complement: KMT2D is on the minus strand). VCF-style: chr12-49053546-C-T. GRCh37 (hg19) VCF-style: chr12-49447329-C-T.
Other names: short protein forms D257N.
Identifiers: ClinVar variation 3535529 (VCV003535529.3).